The following is an entry in ClinVar:

ClinVar aggregate classification (germline): Conflicting classifications of pathogenicity. Review status: criteria provided, conflicting classifications (1 of 4 stars). 2 submissions from 2 submitters: Uncertain significance (1); Likely benign (1). Last evaluated 2024-03-27.

Conditions:
Cardiovascular phenotype. Identifiers: MedGen CN230736.
Arrhythmogenic right ventricular dysplasia 8 (ARVD8). Also called: Arrhythmogenic Right Ventricular Dysplasia/Cardiomyopathy 8; ARRHYTHMOGENIC RIGHT VENTRICULAR DYSPLASIA, FAMILIAL, 8; ARRHYTHMOGENIC RIGHT VENTRICULAR CARDIOMYOPATHY 8. Identifiers: MedGen C1843896, MONDO:0011831, OMIM 607450.
Arrhythmogenic cardiomyopathy with wooly hair and keratoderma. Also called: PALMOPLANTAR KERATODERMA WITH LEFT VENTRICULAR CARDIOMYOPATHY AND WOOLLY HAIR; Carvajal syndrome; Arrhythmogenic cardiomyopathy with woolly hair and keratoderma; Dilated cardiomyopathy with woolly hair and keratoderma. Identifiers: Orphanet 65282, MedGen C1854063, MONDO:0011581, OMIM 605676.

Allele frequency attached by ClinVar (database versions not stated): gnomAD 0.00001; gnomAD exomes 0.00001; ExAC 0.00002.
gnomAD v4.1: 13 of 1,614,084 alleles (0.00081%); highest among the groups gnomAD compares: South Asian, 0.013%; no homozygotes.

Submissions (2):

Ambry Genetics
Classification: Uncertain significance for Cardiovascular phenotype. Last evaluated: 2024-03-27. Review status: criteria provided, single submitter. Criteria: Ambry Variant Classification Scheme 2023. Collection method: clinical testing. Allele origin: germline.
Comment: The p.P2010S variant (also known as c.6028C>T), located in coding exon 24 of the DSP gene, results from a C to T substitution at nucleotide position 6028. The proline at codon 2010 is replaced by serine, an amino acid with similar properties. This amino acid position is conserved. In addition, this alteration is predicted to be tolerated by in silico analysis. Based on the available evidence, the clinical significance of this alteration remains unclear.

Labcorp Genetics (formerly Invitae), Labcorp
Classification: Likely benign for Arrhythmogenic cardiomyopathy with wooly hair and keratoderma; Arrhythmogenic right ventricular dysplasia 8. Last evaluated: 2023-01-01. Review status: criteria provided, single submitter. Criteria: Invitae Variant Classification Sherloc (09022015). Collection method: clinical testing. Allele origin: germline.

NM_004415.4(DSP):c.6028C>T (p.Pro2010Ser)

Gene: DSP (desmoplakin; plus strand). Cytogenetic location: 6p24.3.
Variant type: single nucleotide variant.
Coding change: c.6028C>T on transcript NM_004415.4 (MANE Select); coding-DNA position 6028, C replaced by T.
Protein change: p.Pro2010Ser; replaces proline 2010 with serine.
Molecular consequence: missense variant.
Genome position (GRCh38, 1-based): chr6:7,583,290, C>T. VCF-style: chr6-7583290-C-T. GRCh37 (hg19) VCF-style: chr6-7583523-C-T.
Other names: c.4231C>T, p.Pro1411Ser (NM_001008844.3); c.4699C>T, p.Pro1567Ser (NM_001319034.2); short protein forms P1567S, P2010S, P1411S.
Identifiers: ClinVar variation 2926810 (VCV002926810.4), dbSNP rs781724800, ClinGen allele CA046623.